The following is an entry in ClinVar:

ClinVar aggregate classification (germline): Uncertain significance (1 of 4 stars; one submission).

Allele frequency attached by ClinVar (database versions not stated): ExAC 0.00001.
gnomAD v4.1: 1 of 1,589,508 alleles (0.000063%); highest among the groups gnomAD compares: South Asian, 0.0011%; no homozygotes.

Submission:

Labcorp Genetics (formerly Invitae), Labcorp
Classification: Uncertain significance. Last evaluated: 2022-05-04. Review status: criteria provided, single submitter. Criteria: Invitae Variant Classification Sherloc (09022015). Collection method: clinical testing. Allele origin: germline.
Comment: Algorithms developed to predict the effect of missense changes on protein structure and function are either unavailable or do not agree on the potential impact of this missense change (SIFT: "Deleterious"; PolyPhen-2: "Benign"; Align-GVGD: "Class C0"). This variant has not been reported in the literature in individuals affected with PEX3-related conditions. The frequency data for this variant in the population databases is considered unreliable, as metrics indicate poor data quality at this position in the gnomAD database. This sequence change replaces glutamic acid, which is acidic and polar, with lysine, which is basic and polar, at codon 372 of the PEX3 protein (p.Glu372Lys). In summary, the available evidence is currently insufficient to determine the role of this variant in disease. Therefore, it has been classified as a Variant of Uncertain Significance.

NM_003630.3(PEX3):c.1114G>A (p.Glu372Lys)

Gene: PEX3 (peroxisomal biogenesis factor 3; plus strand). Cytogenetic location: 6q24.2.
Variant type: single nucleotide variant.
Coding change: c.1114G>A on transcript NM_003630.3 (MANE Select); coding-DNA position 1114, G replaced by A.
Protein change: p.Glu372Lys; replaces glutamic acid 372 with lysine.
Molecular consequence: missense variant.
Genome position (GRCh38, 1-based): chr6:143,489,218, G>A. VCF-style: chr6-143489218-G-A. GRCh37 (hg19) VCF-style: chr6-143810355-G-A.
Other names: short protein forms E372K.
Identifiers: ClinVar variation 2133545 (VCV002133545.4), dbSNP rs771501604, ClinGen allele CA4029749.
Genomic context (GRCh38, chr6:143,489,218, plus strand): 5'-GAGCAAGTGAAAGACTTTGCTGCTAATGTGTATGAAGCTTTTAGTACCCCTCAGCAACTG[G>A]AGAAATGATTTTTCCTTCAAGAAAAACTACAGTGGGATTCATTTACTTTTTAAAATACAC-3'
Protein context (NP_003621.1, residues 362-373): YEAFSTPQQL[Glu372Lys]K